The following is an entry in ClinVar:

ClinVar aggregate classification (germline): Uncertain significance (1 of 4 stars; one submission).

Conditions:
RYR1-related disorder. Also called: RYR1-related condition; RYR1-related disorders. Identifiers: MedGen CN239331.

Submission:

Labcorp Genetics (formerly Invitae), Labcorp
Classification: Uncertain significance for RYR1-related disorder. Last evaluated: 2023-04-20. Review status: criteria provided, single submitter. Criteria: Invitae Variant Classification Sherloc (09022015). Collection method: clinical testing. Allele origin: germline.
Comment: In summary, the available evidence is currently insufficient to determine the role of this variant in disease. Therefore, it has been classified as a Variant of Uncertain Significance. Advanced modeling of protein sequence and biophysical properties (such as structural, functional, and spatial information, amino acid conservation, physicochemical variation, residue mobility, and thermodynamic stability) performed at Invitae indicates that this missense variant is not expected to disrupt RYR1 protein function. This variant has not been reported in the literature in individuals affected with RYR1-related conditions. This variant is not present in population databases (gnomAD no frequency). This sequence change replaces glutamic acid, which is acidic and polar, with glycine, which is neutral and non-polar, at codon 1889 of the RYR1 protein (p.Glu1889Gly).

NM_000540.3(RYR1):c.5666A>G (p.Glu1889Gly)

Gene: RYR1 (ryanodine receptor 1; plus strand). Cytogenetic location: 19q13.2.
Variant type: single nucleotide variant.
Coding change: c.5666A>G on transcript NM_000540.3 (MANE Select); coding-DNA position 5666, A replaced by G.
Protein change: p.Glu1889Gly; replaces glutamic acid 1889 with glycine.
Molecular consequence: missense variant.
Genome position (GRCh38, 1-based): chr19:38,489,295, A>G. VCF-style: chr19-38489295-A-G. GRCh37 (hg19) VCF-style: chr19-38979935-A-G.
Other names: c.5666A>G, p.Glu1889Gly (NM_001042723.2); short protein forms E1889G.
Identifiers: ClinVar variation 2825738 (VCV002825738.3), dbSNP rs2514246147, ClinGen allele CA405658533.